The following is an entry in ClinVar:

ClinVar aggregate classification (germline): Likely benign. Review status: criteria provided, multiple submitters, no conflicts (2 of 4 stars). 2 submissions from 2 submitters: Likely benign (2). Last evaluated 2026-08-09.

Conditions:
Osteogenesis imperfecta type I (OI1). Also called: OI, TYPE I; OSTEOGENESIS IMPERFECTA TARDA; OSTEOGENESIS IMPERFECTA WITH BLUE SCLERAE; Osteogenesis imperfecta type 1; Lobstein's Disease; Lobstein disease. Identifiers: Orphanet 216796, Orphanet 666, MedGen C0023931, MONDO:0008146, OMIM 166200. Disease mechanism: loss of function.
COL1A1-related disorder. Also called: COL1A1-related condition; COL1A1- related disease.

gnomAD v4.1: 9 of 1,611,936 alleles (0.00056%); highest among the groups gnomAD compares: African/African-American, 0.0027%; no homozygotes.

Submissions (2):

PreventionGenetics, part of Exact Sciences
Classification: Likely benign for COL1A1-related condition. Last evaluated: 2026-08-09. Review status: criteria provided, single submitter. Criteria: ACMG Guidelines, 2015. Collection method: clinical testing. Allele origin: germline.
Comment: This variant is classified as likely benign based on ACMG/AMP sequence variant interpretation guidelines (Richards et al. 2015 PMID: 25741868, with internal and published modifications).

Labcorp Genetics (formerly Invitae), Labcorp
Classification: Likely benign for Osteogenesis imperfecta type I. Last evaluated: 2024-06-25. Review status: criteria provided, single submitter. Criteria: Invitae Variant Classification Sherloc (09022015). Collection method: clinical testing. Allele origin: germline.

NM_000088.4(COL1A1):c.1984-5C>T

Gene: COL1A1 (collagen type I alpha 1 chain; minus strand). Cytogenetic location: 17q21.33.
Variant type: single nucleotide variant.
Coding change: c.1984-5C>T on transcript NM_000088.4 (MANE Select); 5 bases into the intron before coding-DNA position 1984, C replaced by T.
Molecular consequence: intron variant.
Genome position (GRCh38, 1-based): chr17:50,192,029, G>A on the plus strand (C>T on the coding strand, the complement: COL1A1 is on the minus strand). VCF-style: chr17-50192029-G-A. GRCh37 (hg19) VCF-style: chr17-48269390-G-A.
Other names: c.1984-5C>T (NM_000088.3).
Identifiers: ClinVar variation 3630884 (VCV003630884.3).